The following is an entry in ClinVar:

NM_032861.4(SERAC1):c.1710A>G (p.Gln570=)

Gene: SERAC1 (serine active site containing 1; minus strand). Cytogenetic location: 6q25.3.
Variant type: single nucleotide variant.
Coding change: c.1710A>G on transcript NM_032861.4 (MANE Select); coding-DNA position 1710, A replaced by G.
Protein change: p.Gln570=; no amino-acid change (glutamine 570 retained).
Molecular consequence: synonymous variant.
Genome position (GRCh38, 1-based): chr6:158,113,567, T>C on the plus strand (A>G on the coding strand, the complement: SERAC1 is on the minus strand). VCF-style: chr6-158113567-T-C. GRCh37 (hg19) VCF-style: chr6-158534599-T-C.
Identifiers: ClinVar variation 2657083 (VCV002657083.24), dbSNP rs2483456287, ClinGen allele CA452819910.
Genomic context (GRCh38, chr6:158,113,567, plus strand): 5'-TGTTTCCACAAAATTCAGCACCTGGAAGTTTTTGTCTTTAGCAAACTCCAGAAAGTCATC[T>C]TGTAGTGTTTTAAGTGCAGGAGAATCTGTAAAATTATACAGAACAAGACTGTGACAAGTT-3'
Protein context (NP_116250.3, residues 560-580): SKDSPALKTL[Gln570=]DDFLEFAKDK

ClinVar aggregate classification (germline): Likely benign (1 of 4 stars; one submission).

Allele frequency attached by ClinVar (database versions not stated): gnomAD exomes below 0.00001.
gnomAD v4.1: 2 of 1,614,026 alleles (0.00012%); highest among the groups gnomAD compares: Non-Finnish European, 0.00017%; no homozygotes.

Submission:

CeGaT Center for Human Genetics Tuebingen
Classification: Likely benign. Last evaluated: 2022-05-01. Review status: criteria provided, single submitter. Criteria: CeGaT Center For Human Genetics Tuebingen Variant Classification Criteria Version 2. Collection method: clinical testing. Allele origin: germline. Affected: yes. Observed: 1 variant allele.
Comment: SERAC1: PM2:Supporting, BP4, BP7